The following is an entry in ClinVar:

NM_000368.5(TSC1):c.1165G>A (p.Gly389Arg)

Gene: TSC1 (TSC complex subunit 1; minus strand). Cytogenetic location: 9q34.13.
Variant type: single nucleotide variant.
Coding change: c.1165G>A on transcript NM_000368.5 (MANE Select); coding-DNA position 1165, G replaced by A.
Protein change: p.Gly389Arg; replaces glycine 389 with arginine.
Molecular consequence: missense variant. On other transcripts: non-coding transcript variant (5).
Genome position (GRCh38, 1-based): chr9:132,910,669, C>T on the plus strand (G>A on the coding strand, the complement: TSC1 is on the minus strand). VCF-style: chr9-132910669-C-T. GRCh37 (hg19) VCF-style: chr9-135786056-C-T.
Other names: c.112G>A, p.Gly38Arg (NM_001406630.1, NM_001406629.1); c.1162G>A, p.Gly388Arg (NM_001162426.2, NM_001406597.1, NM_001406598.1 and 6 more transcripts); c.1012G>A, p.Gly338Arg (NM_001162427.2, NM_001406610.1); c.802G>A, p.Gly268Arg (NM_001362177.2, NM_001406624.1, NM_001406614.1 and 5 more transcripts); c.1165G>A, p.Gly389Arg (NM_001406592.1, NM_001406593.1, NM_001406594.1 and 7 more transcripts); c.799G>A, p.Gly267Arg (NM_001406620.1, NM_001406621.1, NM_001406622.1 and 2 more transcripts); c.214G>A, p.Gly72Arg (NM_001406626.1); c.211G>A, p.Gly71Arg (NM_001406627.1, NM_001406628.1); and 1 more; short protein forms G338R, G389R, G38R, G72R, G267R, G268R, G388R, G337R.
Identifiers: ClinVar variation 2816371 (VCV002816371.3), dbSNP rs886041524, ClinGen allele CA375367143.

ClinVar aggregate classification (germline): Uncertain significance (1 of 4 stars; one submission).

Conditions:
Tuberous sclerosis 1 (TSC1). Identifiers: Orphanet 805, MedGen C1854465, MONDO:0008612, OMIM 191100.

Submission:

Labcorp Genetics (formerly Invitae), Labcorp
Classification: Uncertain significance for Tuberous sclerosis 1. Last evaluated: 2022-11-24. Review status: criteria provided, single submitter. Criteria: Invitae Variant Classification Sherloc (09022015). Collection method: clinical testing. Allele origin: germline.
Comment: In summary, the available evidence is currently insufficient to determine the role of this variant in disease. Therefore, it has been classified as a Variant of Uncertain Significance. This variant has not been reported in the literature in individuals affected with TSC1-related conditions. This variant is not present in population databases (gnomAD no frequency). This sequence change replaces glycine, which is neutral and non-polar, with arginine, which is basic and polar, at codon 389 of the TSC1 protein (p.Gly389Arg). Advanced modeling of protein sequence and biophysical properties (such as structural, functional, and spatial information, amino acid conservation, physicochemical variation, residue mobility, and thermodynamic stability) performed at Invitae indicates that this missense variant is not expected to disrupt TSC1 protein function.